The following is an entry in ClinVar:

ClinVar aggregate classification (germline): Benign. Review status: criteria provided, multiple submitters, no conflicts (2 of 4 stars). 6 submissions from 6 submitters: Benign (6). Last evaluated 2026-02-02.

Conditions:
Retinal cone dystrophy 4 (RCD4). Identifiers: Orphanet 1872, MedGen C1864849, MONDO:0012507, OMIM 610478.

Allele frequency attached by ClinVar (database versions not stated): gnomAD exomes 0.12181 and 0.12816; ExAC 0.20998; gnomAD 0.21931 and 0.22589; ESP Exome Variant Server 0.22349; TOPMed 0.22755; 1000 Genomes Project 0.23123; 1000 Genomes Project 30x 0.23813.

Submissions (6):

Labcorp Genetics (formerly Invitae), Labcorp
Classification: Benign. Last evaluated: 2026-02-02. Review status: criteria provided, single submitter. Criteria: Invitae Variant Classification Sherloc (09022015). Collection method: clinical testing. Allele origin: germline.

Blueprint Genetics
Classification: Benign. Last evaluated: 2024-11-27. Review status: criteria provided, single submitter. Criteria: ACMG Guidelines, 2015. Collection method: clinical testing. Allele origin: germline.

Illumina Laboratory Services, Illumina
Classification: Benign for Retinal cone dystrophy 4. Last evaluated: 2018-01-13. Review status: criteria provided, single submitter. Criteria: ICSL Variant Classification Criteria 13 December 2019. Collection method: clinical testing. Allele origin: germline.
Comment: This variant was observed in the ICSL laboratory as part of a predisposition screen in an ostensibly healthy population. It had not been previously curated by ICSL or reported in the Human Gene Mutation Database (HGMD: prior to June 1st, 2018), and was therefore a candidate for classification through an automated scoring system. Utilizing variant allele frequency, disease prevalence and penetrance estimates, and inheritance mode, an automated score was calculated to assess if this variant is too frequent to cause the disease. Based on the score and internal cut-off values, a variant classified as benign is not then subjected to further curation. The score for this variant resulted in a classification of benign for this disease.

Eurofins Ntd Llc (ga)
Classification: Benign. Last evaluated: 2016-05-26. Review status: criteria provided, single submitter. Criteria: EGL Classification Definitions 2015. Collection method: clinical testing. Allele origin: germline. Observed: 4 variant alleles, 4 heterozygotes.

Breakthrough Genomics
Classification: Benign. Review status: criteria provided, single submitter. Criteria: ACMG Guidelines, 2015. Collection method: not provided. Allele origin: germline. Inheritance: Autosomal recessive inheritance. Affected: yes.

PreventionGenetics, part of Exact Sciences
Classification: Benign. Review status: criteria provided, single submitter. Criteria: ACMG Guidelines, 2015. Collection method: clinical testing. Allele origin: germline.

NM_172364.5(CACNA2D4):c.1515A>G (p.Thr505=)

Gene: CACNA2D4 (calcium voltage-gated channel auxiliary subunit alpha2delta 4; minus strand). Cytogenetic location: 12p13.33.
Variant type: single nucleotide variant.
Coding change: c.1515A>G on transcript NM_172364.5 (MANE Select); coding-DNA position 1515, A replaced by G.
Protein change: p.Thr505=; no amino-acid change (threonine 505 retained).
Molecular consequence: synonymous variant.
Genome position (GRCh38, 1-based): chr12:1,879,852, T>C on the plus strand (A>G on the coding strand, the complement: CACNA2D4 is on the minus strand). VCF-style: chr12-1879852-T-C. GRCh37 (hg19) VCF-style: chr12-1989018-T-C.
Identifiers: ClinVar variation 262809 (VCV000262809.20), dbSNP rs60945277, ClinGen allele CA6387101.